The following is an entry in ClinVar:

ClinVar aggregate classification (germline): Uncertain significance (0 of 4 stars; one submission).

Conditions:
RP1-related disorder. Also called: RP1-related condition.

gnomAD v4.1: 4 of 1,614,004 alleles (0.00025%); highest among the groups gnomAD compares: Non-Finnish European, 0.00034%; no homozygotes.

Submission:

PreventionGenetics, part of Exact Sciences
Classification: Uncertain significance for RP1-related condition. Last evaluated: 2024-05-23. Review status: no assertion criteria provided. Collection method: clinical testing. Allele origin: germline.
Comment: The RP1 c.4141A>G variant is predicted to result in the amino acid substitution p.Lys1381Glu. To our knowledge, this variant has not been reported in the literature or in a large population database, indicating this variant is rare. At this time, the clinical significance of this variant is uncertain due to the absence of conclusive functional and genetic evidence.

NM_006269.2(RP1):c.4141A>G (p.Lys1381Glu)

Gene: RP1 (RP1 axonemal microtubule associated; plus strand). Cytogenetic location: 8q12.1.
Variant type: single nucleotide variant.
Coding change: c.4141A>G on transcript NM_006269.2 (MANE Select); coding-DNA position 4141, A replaced by G.
Protein change: p.Lys1381Glu; replaces lysine 1381 with glutamic acid.
Molecular consequence: missense variant. On other transcripts: intron variant (1).
Genome position (GRCh38, 1-based): chr8:54,628,023, A>G. VCF-style: chr8-54628023-A-G. GRCh37 (hg19) VCF-style: chr8-55540583-A-G.
Other names: c.787+5735A>G (NM_001375654.1); short protein forms K1381E.
Identifiers: ClinVar variation 3353676 (VCV003353676.1).